The following is an entry in ClinVar:

NM_002294.3(LAMP2):c.590dup (p.Ala198fs)

Gene: LAMP2 (lysosome associated membrane protein 2; minus strand). Cytogenetic location: Xq24.
Variant type: Duplication.
Coding change: c.590dup on transcript NM_002294.3 (MANE Select); coding-DNA position 590, one base duplicated (T; older notation c.590dupT).
Protein change: p.Ala198fs; shifts the reading frame from alanine 198.
Molecular consequence: frameshift variant.
Genome position (GRCh38, 1-based): chrX:120,447,992, A duplicated on the plus strand (T on the coding strand, the reverse complement: LAMP2 is on the minus strand). VCF-style (leftmost placement, unchanged base first): chrX-120447991-C-CA. GRCh37 (hg19) VCF-style: chrX-119581846-C-CA.
Other names: c.590dup, p.Ala198fs (NM_001122606.1, NM_013995.2); short protein forms A198fs.
Identifiers: ClinVar variation 4724893 (VCV004724893.1).

ClinVar aggregate classification (germline): Pathogenic (1 of 4 stars; one submission).

Conditions:
Danon disease. Also called: ANTOPOL DISEASE; PSEUDOGLYCOGENOSIS II; GSD IIb; LYSOSOMAL GLYCOGEN STORAGE DISEASE WITHOUT ACID MALTASE DEFICIENCY; Glycogen Storage Disease Type IIb. Identifiers: Orphanet 34587, MedGen C0878677, MONDO:0010281, OMIM 300257.

Submission:

Labcorp Genetics (formerly Invitae), Labcorp
Classification: Pathogenic for Danon disease. Last evaluated: 2025-08-06. Review status: criteria provided, single submitter. Criteria: Invitae Variant Classification Sherloc (09022015). Collection method: clinical testing. Allele origin: germline.
Comment: This sequence change creates a premature translational stop signal (p.Ala198Glyfs*29) in the LAMP2 gene. It is expected to result in an absent or disrupted protein product. Loss-of-function variants in LAMP2 are known to be pathogenic (PMID: 21415759). This variant is not present in population databases (gnomAD no frequency). This variant has not been reported in the literature in individuals affected with LAMP2-related conditions. For these reasons, this variant has been classified as Pathogenic.

Literature cited by the submitters: PubMed 21415759.